The following is an entry in ClinVar:

ClinVar aggregate classification (germline): Benign/Likely benign. Review status: criteria provided, multiple submitters, no conflicts (2 of 4 stars). 5 submissions from 4 submitters: Benign (4); Likely benign (1). Last evaluated 2026-02-02.

Conditions:
Cone-rod dystrophy 13 (CORD13). Identifiers: Orphanet 1872, MedGen C2750720, MONDO:0011987, OMIM 608194.
Leber congenital amaurosis 6 (LCA6). Identifiers: Orphanet 65, MedGen C1854260, MONDO:0013446, OMIM 613826.

Allele frequency attached by ClinVar (database versions not stated): 1000 Genomes Project 0.00599; 1000 Genomes Project 30x 0.00625; ESP Exome Variant Server 0.00643; gnomAD 0.00650; TOPMed 0.00693.
gnomAD v4.1: 1,860 of 1,611,388 alleles (0.12%); highest among the groups gnomAD compares: African/African-American, 2.1%; 19 homozygotes.

Submissions (5):

Labcorp Genetics (formerly Invitae), Labcorp
Classification: Benign for Leber congenital amaurosis 6; Cone-rod dystrophy 13. Last evaluated: 2026-02-02. Review status: criteria provided, single submitter. Criteria: Invitae Variant Classification Sherloc (09022015). Collection method: clinical testing. Allele origin: germline.

Blueprint Genetics
Classification: Likely benign. Last evaluated: 2024-11-14. Review status: criteria provided, single submitter. Criteria: ACMG Guidelines, 2015. Collection method: clinical testing. Allele origin: germline.

Illumina Laboratory Services, Illumina
Classification: Benign for Leber congenital amaurosis 6. Last evaluated: 2017-04-28. Review status: criteria provided, single submitter. Criteria: ICSL Variant Classification Criteria 13 December 2019. Collection method: clinical testing. Allele origin: germline.
Comment: This variant was observed as part of a predisposition screen in an ostensibly healthy population. A literature search was performed for the gene, cDNA change, and amino acid change (where applicable). No publications were found based on this search. Allele frequency data from public databases was too high to be consistent with this variant causing disease. Therefore, this variant is classified as benign.

Illumina Laboratory Services, Illumina
Classification: Benign for Cone-rod dystrophy 13. Last evaluated: 2017-04-28. Review status: criteria provided, single submitter. Criteria: ICSL Variant Classification Criteria 13 December 2019. Collection method: clinical testing. Allele origin: germline.
Comment: the same text as in the submission from Illumina Laboratory Services, Illumina above.

Breakthrough Genomics
Classification: Benign. Review status: criteria provided, single submitter. Criteria: ACMG Guidelines, 2015. Collection method: not provided. Allele origin: germline. Inheritance: Autosomal recessive inheritance. Affected: yes.

NM_020366.4(RPGRIP1):c.2292G>A (p.Ala764=)

Gene: RPGRIP1 (RPGR interacting protein 1; plus strand). Cytogenetic location: 14q11.2.
Variant type: single nucleotide variant.
Coding change: c.2292G>A on transcript NM_020366.4 (MANE Select); coding-DNA position 2292, G replaced by A.
Protein change: p.Ala764=; no amino-acid change (alanine 764 retained).
Molecular consequence: synonymous variant. On other transcripts: intron variant (4).
Genome position (GRCh38, 1-based): chr14:21,325,308, G>A. VCF-style: chr14-21325308-G-A. GRCh37 (hg19) VCF-style: chr14-21793467-G-A.
Other names: c.1218G>A, p.Ala406= (NM_001377948.1); c.796+583G>A (NM_001377949.1); c.689-2315G>A (NM_001377523.1, NM_001377950.1); c.191-2315G>A (NM_001377951.1).
Identifiers: ClinVar variation 465954 (VCV000465954.16), dbSNP rs35207255, ClinGen allele CA7089209.